The following is an entry in ClinVar:

ClinVar aggregate classification (germline): Benign. Review status: criteria provided, multiple submitters, no conflicts (2 of 4 stars). 2 submissions from 2 submitters: Benign (2). Last evaluated 2018-01-13.

Conditions:
Emery-Dreifuss muscular dystrophy 5, autosomal dominant (EDMD5). Also called: EMERY-DREIFUSS MUSCULAR DYSTROPHY 5. Identifiers: Orphanet 261, MedGen C2751805, MONDO:0013072, OMIM 612999.

Allele frequency attached by ClinVar (database versions not stated): gnomAD exomes 0.57562; gnomAD 0.65602 and 0.66492; TOPMed 0.66853; 1000 Genomes Project 0.68950; 1000 Genomes Project 30x 0.69238.

Submissions (2):

Illumina Laboratory Services, Illumina
Classification: Benign for Emery-Dreifuss muscular dystrophy 5, autosomal dominant. Last evaluated: 2018-01-13. Review status: criteria provided, single submitter. Criteria: ICSL Variant Classification Criteria 13 December 2019. Collection method: clinical testing. Allele origin: germline.
Comment: This variant was observed in the ICSL laboratory as part of a predisposition screen in an ostensibly healthy population. It had not been previously curated by ICSL or reported in the Human Gene Mutation Database (HGMD: prior to June 1st, 2018), and was therefore a candidate for classification through an automated scoring system. Utilizing variant allele frequency, disease prevalence and penetrance estimates, and inheritance mode, an automated score was calculated to assess if this variant is too frequent to cause the disease. Based on the score and internal cut-off values, a variant classified as benign is not then subjected to further curation. The score for this variant resulted in a classification of benign for this disease.

Breakthrough Genomics
Classification: Benign. Review status: criteria provided, single submitter. Criteria: ACMG Guidelines, 2015. Collection method: not provided. Allele origin: germline. Inheritance: Autosomal dominant inheritance. Affected: yes.

NM_182914.3(SYNE2):c.*386G>C

Gene: SYNE2 (spectrin repeat containing nuclear envelope protein 2; plus strand). Cytogenetic location: 14q23.2.
Variant type: single nucleotide variant.
Coding change: c.*386G>C on transcript NM_182914.3 (MANE Select); 386 bases downstream of the stop codon, G replaced by C.
Molecular consequence: 3 prime UTR variant.
Genome position (GRCh38, 1-based): chr14:64,225,912, G>C. VCF-style: chr14-64225912-G-C. GRCh37 (hg19) VCF-style: chr14-64692630-G-C.
Other names: c.*386G>C (NM_015180.6, NM_182910.2, NM_182913.4).
Identifiers: ClinVar variation 313681 (VCV000313681.6), dbSNP rs1152582, ClinGen allele CA10635063.